The following is an entry in ClinVar:

NM_024675.4(PALB2):c.1500T>C (p.Ser500=)

Gene: PALB2 (partner and localizer of BRCA2; minus strand). Cytogenetic location: 16p12.2.
Variant type: single nucleotide variant.
Coding change: c.1500T>C on transcript NM_024675.4 (MANE Select); coding-DNA position 1500, T replaced by C.
Protein change: p.Ser500=; no amino-acid change (serine 500 retained).
Molecular consequence: synonymous variant.
Genome position (GRCh38, 1-based): chr16:23,635,046, A>G on the plus strand (T>C on the coding strand, the complement: PALB2 is on the minus strand). VCF-style: chr16-23635046-A-G. GRCh37 (hg19) VCF-style: chr16-23646367-A-G.
Identifiers: ClinVar variation 1126053 (VCV001126053.13), dbSNP rs1555461248, ClinGen allele CA494461339.
Genomic context (GRCh38, chr16:23,635,046, plus strand): 5'-GCAGGCTGATTTTCTTTTTCCTGTGTATCTTCTACCAGGTGCTTGGGCAACTGCCTTCCT[A>G]GACAAGTCATTATCTTCAGTGGGCCCAGCGGGAGAGCTGACTTTAGTTAATGAGAGAAGT-3'
Protein context (NP_078951.2, residues 490-510): PAGPTEDNDL[Ser500=]RKAVAQAPGR

ClinVar aggregate classification (germline): Benign/Likely benign. Review status: criteria provided, multiple submitters, no conflicts (2 of 4 stars). 3 submissions from 3 submitters: Benign (1); Likely benign (2). Last evaluated 2025-01-13.

Conditions:
Hereditary cancer-predisposing syndrome. Also called: Hereditary neoplastic syndrome; Neoplastic Syndromes, Hereditary; Tumor predisposition; Hereditary Cancer Syndrome. Identifiers: Orphanet 140162, MedGen C0027672, MeSH D009386, MONDO:0015356.
Familial cancer of breast. Also called: BREAST CANCER, FAMILIAL; hereditary breast carcinoma; Hereditary breast cancer. Identifiers: Orphanet 227535, MedGen C0346153, MONDO:0016419, OMIM 114480. Disease mechanism: loss of function.

Submissions (3):

Myriad Genetics, Inc.
Classification: Benign for Familial cancer of breast. Last evaluated: 2025-01-13. Review status: criteria provided, single submitter. Criteria: Myriad Autosomal Dominant, Autosomal Recessive and X-Linked Classification Criteria (2023). Collection method: clinical testing. Allele origin: unknown.
Comment: This variant is considered benign. This variant is a silent/synonymous amino acid change and it is not expected to impact splicing.

Labcorp Genetics (formerly Invitae), Labcorp
Classification: Likely benign for Familial cancer of breast. Last evaluated: 2023-06-29. Review status: criteria provided, single submitter. Criteria: Invitae Variant Classification Sherloc (09022015). Collection method: clinical testing. Allele origin: germline.

Ambry Genetics
Classification: Likely benign for Hereditary cancer-predisposing syndrome. Last evaluated: 2021-06-16. Review status: criteria provided, single submitter. Criteria: Ambry Variant Classification Scheme 2023. Collection method: clinical testing. Allele origin: germline.